The following is an entry in ClinVar:

ClinVar aggregate classification (germline): Uncertain significance (1 of 4 stars; one submission).

Submission:

GeneDx
Classification: Uncertain significance. Last evaluated: 2023-07-24. Review status: criteria provided, single submitter. Criteria: GeneDx Variant Classification Process June 2021. Collection method: clinical testing. Allele origin: germline.
Comment: Has not been previously published as pathogenic or benign to our knowledge; In silico analysis suggests this variant may impact gene splicing; in the absence of RNA/functional studies, the actual effect of this sequence change is unknown

NM_001987.5(ETV6):c.93_96delinsTCCC (p.Thr31_Pro32=)

Gene: ETV6 (ETS variant transcription factor 6; plus strand). Cytogenetic location: 12p13.2.
Variant type: Indel.
Coding change: c.93_96delinsTCCC on transcript NM_001987.5 (MANE Select); coding-DNA positions 93 to 96, GCCA replaced by TCCC.
Protein change: p.Thr31_Pro32=.
Molecular consequence: synonymous variant. On other transcripts: intron variant (1).
Genome position (GRCh38, 1-based): chr12:11,752,509-11,752,512, GCCA replaced by TCCC. VCF-style: chr12-11752509-GCCA-TCCC. GRCh37 (hg19) VCF-style: chr12-11905443-GCCA-TCCC.
Other names: c.90_93delinsTCCC, p.Thr30_Pro31= (NM_001413913.1); c.66_69delinsTCCC, p.Thr22_Pro23= (NM_001413914.1); c.93_96delinsTCCC, p.Thr31_Pro32= (NM_001413916.1, NM_001413917.1, NM_001413918.1); c.93_96delGCCAinsTCCC, p.Thr31_Pro32= (NM_001987.4); c.-101-86631_-101-86628delinsTCCC (NM_001413915.1).
Identifiers: ClinVar variation 2444659 (VCV002444659.2), dbSNP rs2497702371, ClinGen allele CA2580085155.